The following is an entry in ClinVar:

ClinVar aggregate classification (germline): Uncertain significance. Review status: criteria provided, multiple submitters, no conflicts (2 of 4 stars). 3 submissions from 3 submitters: Uncertain significance (3). Last evaluated 2025-11-07.

Conditions:
TRIM32-related disorder. Also called: TRIM32-related condition.
Bardet-Biedl syndrome (BBS). Identifiers: Orphanet 110, MedGen C0752166, MONDO:0015229.
Sarcotubular myopathy (LGMDR8). Also called: Limb-girdle muscular dystrophy, type 2H; Hutterite type of muscular dystrophy; MUSCULAR DYSTROPHY, LIMB-GIRDLE, AUTOSOMAL RECESSIVE 8; Autosomal recessive limb-girdle muscular dystrophy type 2H. Identifiers: Orphanet 1878, MedGen C0270968, MONDO:0009683, OMIM 254110.
Bardet-Biedl syndrome 11 (BBS11). Identifiers: Orphanet 110, MedGen C1859569, MONDO:0014439, OMIM 615988.

Submissions (3):

PreventionGenetics, part of Exact Sciences
Classification: Uncertain significance for TRIM32-related condition. Last evaluated: 2025-11-07. Review status: criteria provided, single submitter. Criteria: ACMG Guidelines, 2015. Collection method: clinical testing. Allele origin: germline.
Comment: The TRIM32 c.1706_1708delTCT variant is predicted to result in an in-frame deletion (p.Phe569del). This variant was reported in an individual with TRIM32-related myopathy (c.1701_1703del, p.F568del, Servián-Morilla et al. 2019. PubMed ID: 30823891). This variant is reported in 0.0033% of alleles in individuals of South Asian descent in gnomAD. At this time, the clinical significance of this variant is uncertain due to the absence of conclusive functional and genetic evidence.

Fulgent Genetics
Classification: Uncertain significance for Sarcotubular myopathy; Bardet-Biedl syndrome 11. Last evaluated: 2024-02-16. Review status: criteria provided, single submitter. Criteria: ACMG Guidelines, 2015. Collection method: clinical testing. Allele origin: germline.

Labcorp Genetics (formerly Invitae), Labcorp
Classification: Uncertain significance for Bardet-Biedl syndrome. Last evaluated: 2023-08-30. Review status: criteria provided, single submitter. Criteria: Invitae Variant Classification Sherloc (09022015). Collection method: clinical testing. Allele origin: germline.
Comment: In summary, the available evidence is currently insufficient to determine the role of this variant in disease. Therefore, it has been classified as a Variant of Uncertain Significance. Experimental studies and prediction algorithms are not available or were not evaluated, and the functional significance of this variant is currently unknown. This variant has not been reported in the literature in individuals affected with TRIM32-related conditions. This variant is present in population databases (no rsID available, gnomAD 0.003%). This variant, c.1706_1708del, results in the deletion of 1 amino acid(s) of the TRIM32 protein (p.Phe569del), but otherwise preserves the integrity of the reading frame.

NM_012210.4(TRIM32):c.1703TCT[1] (p.Phe569del)

Genes: ASTN2 (astrotactin 2; minus strand), TRIM32 (tripartite motif containing 32; plus strand). Cytogenetic location: 9q33.1.
Variant type: Microsatellite.
Coding change: c.1703TCT[1] on transcript NM_012210.4 (MANE Select); one copy of the 3-base unit TCT starting at c.1703; the reference has two copies in a row; one copy, 3 bases deleted; also written c.1706_1708del.
Protein change: p.Phe569del; deletes phenylalanine 569.
Molecular consequence: inframe deletion. On other transcripts: inframe indel (1), intron variant (3).
Genome position (GRCh38, 1-based): chr9:116,699,448-116,699,450, TCT deleted; deleting any 3 consecutive bases within chr9:116,699,443-116,699,450 gives the same sequence; the position shown is the placement nearest the transcript's 3' end. VCF-style (leftmost placement, unchanged base first): chr9-116699442-ACTT-A. GRCh37 (hg19) VCF-style: chr9-119461721-ACTT-A.
Other names: c.1703TCT[1], p.Phe569del (NM_001099679.2, NM_001379048.1, NM_001379049.1 and 1 more transcripts); c.1703_1705TCT[1], p.Phe569del (NM_012210.3); c.2653+26326_2653+26328del (NM_014010.5); c.2794+26326_2794+26328del (NM_001365069.1); c.2806+26326_2806+26328del (NM_001365068.1); c.1706_1708del (NM_012210.4); c.1706_1708delTCT (NM_012210.3); short protein forms F569del.
Identifiers: ClinVar variation 1426679 (VCV001426679.7), dbSNP rs1190512893, ClinGen allele CA374652251.